The following is an entry in ClinVar:

ClinVar aggregate classification (germline): Likely pathogenic. Review status: criteria provided, multiple submitters, no conflicts (2 of 4 stars). 2 submissions from 2 submitters: Likely pathogenic (2). Last evaluated 2026-09-08.

Conditions:
Fabry disease. Also called: Fabry's disease; Angiokeratoma corporis diffusum; ALPHA-GALACTOSIDASE A DEFICIENCY; ANDERSON-FABRY DISEASE; CERAMIDE TRIHEXOSIDASE DEFICIENCY; GLA DEFICIENCY. Identifiers: Orphanet 324, MedGen C0002986, MONDO:0010526, OMIM 301500, HP:0001071. Disease mechanism: loss of function, Fabry disease is due to inactivating mutations in the X-linked GLA gene resulting in deficiency of the enzyme Alpha Galactosidase-A..

Submissions (2):

Genomenon, Inc
Classification: Likely pathogenic for Fabry disease. Last evaluated: 2026-09-08. Review status: criteria provided, single submitter. Criteria: Genomenon Sequence Variant Interpretation Standards - Updated. Collection method: curation. Allele origin: germline. Affected: yes.
Comment: GLA p.Asn298Ser (c.893A>G) is a missense variant that changes the amino acid at codon 298 from Asparagine to Serine. This variant has been observed in at least one proband with clinical features consistent with Fabry disease (PMID:16601876;9100224;17206462;15458455). At least one functional study has demonstrated a substantial alteration in protein function relative to the wild-type (PMID:27657681). It is absent or not present at a significant frequency in gnomAD. In conclusion, we classify GLA p.Asn298Ser (c.893A>G) as a likely pathogenic variant.

Eurofins Ntd Llc (ga)
Classification: Likely pathogenic. Last evaluated: 2017-11-10. Review status: criteria provided, single submitter. Criteria: EGL Classification Definitions 2015. Collection method: clinical testing. Allele origin: germline. Observed: 1 variant allele, 1 hemizygote.

Literature cited by the submitters: PubMed 16601876 (cited by Genomenon, Inc); PubMed 9100224 (cited by Genomenon, Inc); PubMed 17206462 (cited by Genomenon, Inc); PubMed 15458455 (cited by Genomenon, Inc); PubMed 27657681 (cited by Genomenon, Inc).

NM_000169.3(GLA):c.893A>G (p.Asn298Ser)

Genes: GLA (galactosidase alpha; minus strand), RPL36A-HNRNPH2 (RPL36A-HNRNPH2 readthrough; plus strand). Cytogenetic location: Xq22.1.
Variant type: single nucleotide variant.
Coding change: c.893A>G on transcript NM_000169.3 (MANE Select); coding-DNA position 893, A replaced by G.
Protein change: p.Asn298Ser; replaces asparagine 298 with serine.
Molecular consequence: missense variant. On other transcripts: non-coding transcript variant (3), intron variant (2).
Genome position (GRCh38, 1-based): chrX:101,398,476, T>C on the plus strand (A>G on the coding strand, the complement: GLA is on the minus strand). VCF-style: chrX-101398476-T-C. GRCh37 (hg19) VCF-style: chrX-100653464-T-C.
Other names: c.1016A>G, p.Asn339Ser (NM_001406747.1); c.893A>G, p.Asn298Ser (NM_001406748.1); c.300+3019T>C (NM_001199973.2); c.177+6654T>C (NM_001199974.2); short protein forms N298S, N339S.
Identifiers: ClinVar variation 594963 (VCV000594963.7), dbSNP rs1569302985, ClinGen allele CA413922331.